The following is an entry in ClinVar:

ClinVar aggregate classification (germline): Uncertain significance (1 of 4 stars; one submission).

Conditions:
Dilated cardiomyopathy 1D. Identifiers: Orphanet 154, Orphanet 54260, MedGen C1832243, MONDO:0011095, OMIM 601494.
Hypertrophic cardiomyopathy 2. Also called: TNNT2-Related Familial Hypertrophic Cardiomyopathy. Identifiers: MedGen C1861864, MONDO:0007266, OMIM 115195.
Cardiomyopathy, familial restrictive, 3. Identifiers: Orphanet 75249, MedGen C2676271, MONDO:0012900, OMIM 612422.

Submission:

Labcorp Genetics (formerly Invitae), Labcorp
Classification: Uncertain significance for Cardiomyopathy, familial restrictive, 3; Hypertrophic cardiomyopathy 2; Dilated cardiomyopathy 1D. Last evaluated: 2023-03-20. Review status: criteria provided, single submitter. Criteria: Invitae Variant Classification Sherloc (09022015). Collection method: clinical testing. Allele origin: germline.
Comment: This variant has not been reported in the literature in individuals affected with TNNT2-related conditions. In summary, the available evidence is currently insufficient to determine the role of this variant in disease. Therefore, it has been classified as a Variant of Uncertain Significance. Advanced modeling of protein sequence and biophysical properties (such as structural, functional, and spatial information, amino acid conservation, physicochemical variation, residue mobility, and thermodynamic stability) performed at Invitae indicates that this missense variant is not expected to disrupt TNNT2 protein function. This variant is not present in population databases (gnomAD no frequency). This sequence change replaces glutamic acid, which is acidic and polar, with aspartic acid, which is acidic and polar, at codon 50 of the TNNT2 protein (p.Glu50Asp).

NM_001276345.2(TNNT2):c.180G>C (p.Glu60Asp)

Gene: TNNT2 (troponin T2, cardiac type; minus strand). Cytogenetic location: 1q32.1.
Variant type: single nucleotide variant.
Coding change: c.180G>C on transcript NM_001276345.2 (MANE Select); coding-DNA position 180, G replaced by C.
Protein change: p.Glu60Asp; replaces glutamic acid 60 with aspartic acid.
Molecular consequence: missense variant.
Genome position (GRCh38, 1-based): chr1:201,367,790, C>G on the plus strand (G>C on the coding strand, the complement: TNNT2 is on the minus strand). VCF-style: chr1-201367790-C-G. GRCh37 (hg19) VCF-style: chr1-201336918-C-G.
Other names: c.180G>C, p.Glu60Asp (NM_000364.4, NM_001406723.1); c.150G>C, p.Glu50Asp (NM_001001430.3, NM_001001431.3, NM_001276347.2 and 3 more transcripts); c.135G>C, p.Glu45Asp (NM_001001432.3, NM_001406728.1); c.177G>C, p.Glu59Asp (NM_001276346.2); c.147G>C, p.Glu49Asp (NM_001406725.1); short protein forms E45D, E49D, E50D, E60D, E59D.
Identifiers: ClinVar variation 2925760 (VCV002925760.3), dbSNP rs774064875, ClinGen allele CA344207023.